The following is an entry in ClinVar:

ClinVar aggregate classification (germline): Uncertain significance (1 of 4 stars; one submission).

Submission:

Labcorp Genetics (formerly Invitae), Labcorp
Classification: Uncertain significance. Last evaluated: 2025-08-18. Review status: criteria provided, single submitter. Criteria: Invitae Variant Classification Sherloc (09022015). Collection method: clinical testing. Allele origin: germline.
Comment: This variant, c.3484_3492dup, results in the insertion of 3 amino acid(s) of the NLRP1 protein (p.Glu1162_Val1164dup), but otherwise preserves the integrity of the reading frame. This variant is present in population databases (no rsID available, gnomAD 0.0009%). This variant has not been reported in the literature in individuals affected with NLRP1-related conditions. ClinVar contains an entry for this variant (Variation ID: 1430321). Experimental studies and prediction algorithms are not available or were not evaluated, and the functional significance of this variant is currently unknown. In summary, the available evidence is currently insufficient to determine the role of this variant in disease. Therefore, it has been classified as a Variant of Uncertain Significance.

NM_033004.4(NLRP1):c.3484_3492dup (p.Glu1162_Val1164dup)

Gene: NLRP1 (NLR family pyrin domain containing 1; minus strand). Cytogenetic location: 17p13.2.
Variant type: Duplication.
Coding change: c.3484_3492dup on transcript NM_033004.4 (MANE Select); coding-DNA positions 3484 to 3492, 9 bases duplicated (GAAGCTGTG; older notation c.3484_3492dupGAAGCTGTG).
Protein change: p.Glu1162_Val1164dup.
Molecular consequence: inframe insertion.
Genome position (GRCh38, 1-based): chr17:5,530,509-5,530,517, CACAGCTTC duplicated on the plus strand (GAAGCTGTG on the coding strand, the reverse complement: NLRP1 is on the minus strand); duplicating any 9 consecutive bases within chr17:5,530,509-5,530,524 gives the same sequence; the c. name uses the placement nearest the transcript's 3' end. VCF-style (leftmost placement, unchanged base first): chr17-5530508-G-GCACAGCTTC. GRCh37 (hg19) VCF-style: chr17-5433828-G-GCACAGCTTC.
Other names: c.3496_3504dup, p.Glu1166_Val1168dup (NM_001033053.3); c.3484_3492dup, p.Glu1162_Val1164dup (NM_014922.5); c.3394_3402dup, p.Glu1132_Val1134dup (NM_033006.4, NM_033007.4).
Identifiers: ClinVar variation 1430321 (VCV001430321.8), dbSNP rs1567639016, ClinGen allele CA624858470.
Genomic context (GRCh38, chr17:5,530,508, plus strand): 5'-CCACCTTCCTCCCTATCCTTCCCTGTTGTTTACCTTGGAGAGCCACAAAGTGAGGGAGGT[G>GCACAGCTTC]CACAGCTTCCACAGCTCCAGGCTCAGCCTTGATGTCCAGCAGAGGCCCTGCCACCATCCA-3'